The following is an entry in ClinVar:

ClinVar aggregate classification (germline): Likely benign. Review status: criteria provided, multiple submitters, no conflicts (2 of 4 stars). 2 submissions from 2 submitters: Likely benign (2). Last evaluated 2024-06-14.

Conditions:
Ataxia-telangiectasia syndrome (AT). Also called: AT, COMPLEMENTATION GROUP C; Ataxia-telangiectasia, complementation group D; ATAXIA-TELANGIECTASIA, COMPLEMENTATION GROUP A; ATAXIA-TELANGIECTASIA, FRESNO VARIANT; Ataxia-telangiectasia; Ataxia-telangiectasia, complementation group E. Identifiers: Orphanet 100, MedGen C0004135, MONDO:0008840, OMIM 208900.
Familial cancer of breast. Also called: hereditary breast carcinoma; BREAST CANCER, FAMILIAL; Hereditary breast cancer. Identifiers: Orphanet 227535, MedGen C0346153, MONDO:0016419, OMIM 114480. Disease mechanism: loss of function.

Submissions (2):

Myriad Genetics, Inc.
Classification: Likely benign for Familial cancer of breast. Last evaluated: 2024-06-14. Review status: criteria provided, single submitter. Criteria: Myriad Autosomal Dominant, Autosomal Recessive and X-Linked Classification Criteria (2023). Collection method: clinical testing. Allele origin: unknown.
Comment: This variant is considered likely benign. This variant is intronic and is not expected to impact mRNA splicing.

Labcorp Genetics (formerly Invitae), Labcorp
Classification: Likely benign for Ataxia-telangiectasia syndrome. Last evaluated: 2024-05-19. Review status: criteria provided, single submitter. Criteria: Invitae Variant Classification Sherloc (09022015). Collection method: clinical testing. Allele origin: germline.

NM_000051.4(ATM):c.7629+9A>G

Genes: ATM (ATM serine/threonine kinase; plus strand), C11orf65 (chromosome 11 open reading frame 65; minus strand). Cytogenetic location: 11q22.3.
Variant type: single nucleotide variant.
Coding change: c.7629+9A>G on transcript NM_000051.4 (MANE Select); 9 bases into the intron after coding-DNA position 7629, A replaced by G.
Molecular consequence: intron variant. On other transcripts: non-coding transcript variant (1).
Genome position (GRCh38, 1-based): chr11:108,331,566, A>G. VCF-style: chr11-108331566-A-G. GRCh37 (hg19) VCF-style: chr11-108202293-A-G.
Other names: c.7629+9A>G (NM_001351834.2); c.641-22495T>C (NM_001330368.2); c.*38+3654T>C (NM_001351110.2).
Identifiers: ClinVar variation 3253824 (VCV003253824.3), dbSNP rs2136500176.